The following is an entry in ClinVar:

NM_017739.4(POMGNT1):c.70A>G (p.Thr24Ala)

Gene: POMGNT1 (protein O-linked mannose N-acetylglucosaminyltransferase 1 (beta 1,2-); minus strand). Cytogenetic location: 1p34.1.
Variant type: single nucleotide variant.
Coding change: c.70A>G on transcript NM_017739.4 (MANE Select); coding-DNA position 70, A replaced by G.
Protein change: p.Thr24Ala; replaces threonine 24 with alanine.
Molecular consequence: missense variant.
Genome position (GRCh38, 1-based): chr1:46,197,752, T>C on the plus strand (A>G on the coding strand, the complement: POMGNT1 is on the minus strand). VCF-style: chr1-46197752-T-C. GRCh37 (hg19) VCF-style: chr1-46663424-T-C.
Other names: c.70A>G, p.Thr24Ala (NM_001243766.2); short protein forms T24A.
Identifiers: ClinVar variation 471408 (VCV000471408.7), dbSNP rs766907690, ClinGen allele CA340192841.
Genomic context (GRCh38, chr1:46,197,752, plus strand): 5'-ATCTCTATACCTGACAGAATCTCCGCAGGGCCCGCTGGTTTGTCAGTTTATACTTCCAGG[T>C]AAGGTACCAGCTCCGCTTCTTCCGAGCCCCAAAGGGCTTGATGAGGGGGCTGGGCTTCCA-3'
Protein context (NP_060209.4, residues 14-34): GARKKRSWYL[Thr24Ala]WKYKLTNQRA

ClinVar aggregate classification (germline): Uncertain significance. Review status: criteria provided, single submitter (1 of 4 stars). 2 submissions from 2 submitters: Uncertain significance (1). 1 of the submissions does not count toward it. Last evaluated 2022-07-26.

Conditions:
Muscle eye brain disease (MEB). Also called: Santavuori congenital muscular dystrophy. Identifiers: Orphanet 588, Orphanet 899, MedGen C0457133, MONDO:0018939.
Autosomal recessive limb-girdle muscular dystrophy type 2O. Also called: Limb-Girdle Muscular Dystrophy Type 3C; MUSCULAR DYSTROPHY-DYSTROGLYCANOPATHY (LIMB-GIRDLE), TYPE C, 3; MUSCULAR DYSTROPHY-DYSTROGLYCANOPATHY, LIMB-GIRDLE, POMGNT1-RELATED. Identifiers: Orphanet 206564, MedGen C3150417, MONDO:0013161, OMIM 613157.
Muscular dystrophy-dystroglycanopathy (congenital with impaired intellectual development), type B, 3. Also called: Muscular dystrophy-dystroglycanopathy (congenital with intellectual disability), type B3; MUSCULAR DYSTROPHY, CONGENITAL, POMGNT1-RELATED. Identifiers: MedGen C3150412, MONDO:0013155, OMIM 613151.

Allele frequency attached by ClinVar (database versions not stated): gnomAD exomes below 0.00001; TOPMed below 0.00001.
gnomAD v4.1: 1 of 1,614,062 alleles (0.000062%); highest among the groups gnomAD compares: Non-Finnish European, 0.000085%; no homozygotes.

Submissions (2):

Labcorp Genetics (formerly Invitae), Labcorp
Classification: Uncertain significance for Autosomal recessive limb-girdle muscular dystrophy type 2O; Muscular dystrophy-dystroglycanopathy (congenital with impaired intellectual development), type B, 3. Last evaluated: 2022-07-26. Review status: criteria provided, single submitter. Criteria: Invitae Variant Classification Sherloc (09022015). Collection method: clinical testing. Allele origin: germline.
Comment: This sequence change replaces threonine, which is neutral and polar, with alanine, which is neutral and non-polar, at codon 24 of the POMGNT1 protein (p.Thr24Ala). This variant is not present in population databases (gnomAD no frequency). This variant has not been reported in the literature in individuals affected with POMGNT1-related conditions. ClinVar contains an entry for this variant (Variation ID: 471408). Advanced modeling of protein sequence and biophysical properties (such as structural, functional, and spatial information, amino acid conservation, physicochemical variation, residue mobility, and thermodynamic stability) performed at Invitae indicates that this missense variant is not expected to disrupt POMGNT1 protein function. In summary, the available evidence is currently insufficient to determine the role of this variant in disease. Therefore, it has been classified as a Variant of Uncertain Significance.

Natera, Inc.
Classification: Uncertain significance for Muscle-eye-brain disease. Last evaluated: 2021-04-20. Review status: no assertion criteria provided. Collection method: clinical testing. Allele origin: germline. Not counted in ClinVar's aggregate classification.